The following is an entry in ClinVar:

ClinVar aggregate classification (germline): Uncertain significance (1 of 4 stars; one submission).

Submission:

Labcorp Genetics (formerly Invitae), Labcorp
Classification: Uncertain significance. Last evaluated: 2024-08-31. Review status: criteria provided, single submitter. Criteria: Invitae Variant Classification Sherloc (09022015). Collection method: clinical testing. Allele origin: germline.
Comment: This sequence change replaces serine, which is neutral and polar, with proline, which is neutral and non-polar, at codon 308 of the ALPL protein (p.Ser308Pro). This variant is not present in population databases (gnomAD no frequency). This variant has not been reported in the literature in individuals affected with ALPL-related conditions. Invitae Evidence Modeling of protein sequence and biophysical properties (such as structural, functional, and spatial information, amino acid conservation, physicochemical variation, residue mobility, and thermodynamic stability) indicates that this missense variant is expected to disrupt ALPL protein function with a positive predictive value of 95%. In summary, the available evidence is currently insufficient to determine the role of this variant in disease. Therefore, it has been classified as a Variant of Uncertain Significance.

NM_000478.6(ALPL):c.922T>C (p.Ser308Pro)

Gene: ALPL (alkaline phosphatase, biomineralization associated; plus strand). Cytogenetic location: 1p36.12.
Variant type: single nucleotide variant.
Coding change: c.922T>C on transcript NM_000478.6 (MANE Select); coding-DNA position 922, T replaced by C.
Protein change: p.Ser308Pro; replaces serine 308 with proline.
Molecular consequence: missense variant.
Genome position (GRCh38, 1-based): chr1:21,573,724, T>C. VCF-style: chr1-21573724-T-C. GRCh37 (hg19) VCF-style: chr1-21900217-T-C.
Other names: c.757T>C, p.Ser253Pro (NM_001127501.4); c.691T>C, p.Ser231Pro (NM_001177520.3); c.922T>C, p.Ser308Pro (NM_001369803.2, NM_001369804.2, NM_001369805.2); short protein forms S231P, S308P, S253P.
Identifiers: ClinVar variation 3683633 (VCV003683633.2).